The following is an entry in ClinVar:

ClinVar aggregate classification (germline): Uncertain significance (1 of 4 stars; one submission).

Submission:

Women's Health and Genetics/Laboratory Corporation of America, LabCorp
Classification: Uncertain significance. Last evaluated: 2026-06-12. Review status: criteria provided, single submitter. Criteria: LabCorp Variant Classification Summary - May 2015. Collection method: clinical testing. Allele origin: germline.
Comment: Variant summary: HPS4 c.625C>T (p.Leu209Phe) results in a non-conservative amino acid change in the encoded protein sequence. Algorithms developed to predict the effect of missense changes on protein structure and function all suggest that this variant is likely to be disruptive. The variant was absent in 251076 control chromosomes. The available data on variant occurrences in the general population are insufficient to allow any conclusion about variant significance. To our knowledge, no occurrence of c.625C>T in individuals affected with HPS4-related conditions and no experimental evidence demonstrating its impact on protein function have been reported. No submitters have cited clinical-significance assessments for this variant to ClinVar. Based on the evidence outlined above, the variant was classified as uncertain significance.

NM_022081.6(HPS4):c.625C>T (p.Leu209Phe)

Gene: HPS4 (HPS4 biogenesis of lysosomal organelles complex 3 subunit 2; minus strand). Cytogenetic location: 22q12.1.
Variant type: single nucleotide variant.
Coding change: c.625C>T on transcript NM_022081.6 (MANE Select); coding-DNA position 625, C replaced by T.
Protein change: p.Leu209Phe; replaces leucine 209 with phenylalanine.
Molecular consequence: missense variant. On other transcripts: non-coding transcript variant (8).
Genome position (GRCh38, 1-based): chr22:26,468,595, G>A on the plus strand (C>T on the coding strand, the complement: HPS4 is on the minus strand). VCF-style: chr22-26468595-G-A. GRCh37 (hg19) VCF-style: chr22-26864561-G-A.
Other names: c.610C>T, p.Leu204Phe (NM_152841.2); c.625C>T, p.Leu209Phe (NM_001349896.1, NM_001349898.2, NM_001349899.2 and 7 more transcripts); short protein forms L204F, L209F.
Identifiers: ClinVar variation 4887272 (VCV004887272.1).